The following is an entry in ClinVar:

ClinVar aggregate classification (germline): Conflicting classifications of pathogenicity. Review status: criteria provided, conflicting classifications (1 of 4 stars). 3 submissions from 3 submitters: Uncertain significance (1); Likely benign (2). Last evaluated 2025-07-07.

Conditions:
Mendelian susceptibility to mycobacterial diseases due to complete ISG15 deficiency. Also called: Immunodeficiency 38; IMMUNODEFICIENCY 38, MYCOBACTERIOSIS, AUTOSOMAL RECESSIVE; ISG15 DEFICIENCY, AUTOSOMAL RECESSIVE; Immunodeficiency 38 with basal ganglia calcification. Identifiers: Orphanet 319563, MedGen C4015293, MONDO:0014502, OMIM 616126.

Allele frequency attached by ClinVar (database versions not stated): gnomAD 0.00001; gnomAD exomes 0.00001; TOPMed 0.00002.

Submissions (3):

Labcorp Genetics (formerly Invitae), Labcorp
Classification: Likely benign for Mendelian susceptibility to mycobacterial diseases due to complete ISG15 deficiency. Last evaluated: 2025-07-07. Review status: criteria provided, single submitter. Criteria: Invitae Variant Classification Sherloc (09022015). Collection method: clinical testing. Allele origin: germline.

CeGaT Center for Human Genetics Tuebingen
Classification: Likely benign. Last evaluated: 2022-12-01. Review status: criteria provided, single submitter. Criteria: CeGaT Center For Human Genetics Tuebingen Variant Classification Criteria Version 2. Collection method: clinical testing. Allele origin: germline. Affected: yes. Observed: 2 variant alleles.
Comment: ISG15: BP4, BP7

Blueprint Genetics
Classification: Uncertain significance. Last evaluated: 2018-05-15. Review status: criteria provided, single submitter. Criteria: ACMG Guidelines, 2015. Collection method: clinical testing. Allele origin: germline.

NM_005101.4(ISG15):c.72G>A (p.Ser24=)

Gene: ISG15 (ISG15 ubiquitin like modifier; plus strand). Cytogenetic location: 1p36.33.
Variant type: single nucleotide variant.
Coding change: c.72G>A on transcript NM_005101.4 (MANE Select); coding-DNA position 72, G replaced by A.
Protein change: p.Ser24=; no amino-acid change (serine 24 retained).
Molecular consequence: synonymous variant.
Genome position (GRCh38, 1-based): chr1:1,014,052, G>A. VCF-style: chr1-1014052-G-A. GRCh37 (hg19) VCF-style: chr1-949432-G-A.
Identifiers: ClinVar variation 1577559 (VCV001577559.33), dbSNP rs939961004, ClinGen allele CA16725153.